The following is an entry in ClinVar:

ClinVar aggregate classification (germline): not provided (0 of 4 stars; one submission).

Conditions:
Seizures, benign familial neonatal, 1. Also called: KCNQ2-Related Benign Familial Neonatal Epilepsy; Benign Neonatal Epilepsy 1; KCNQ2-Related Self-Limited Familial Neonatal Epilepsy (SLFNE); Seizures, benign neonatal, 1. Identifiers: Orphanet 1949, MedGen C3149074, MONDO:0007365, OMIM 121200.

Submission:

GeneReviews
No classification provided. Condition: Seizures, benign familial neonatal, 1. Review status: no classification provided. Collection method: literature only. Allele origin: germline. Affected: yes.
Comment: BFNE (benign familial neonatal epilepsy)

Literature cited by the submitters: PubMed 24375629; NCBI Bookshelf NBK32534.

NM_172107.4(KCNQ2):c.1609A>T (p.Lys537Ter)

Gene: KCNQ2 (potassium voltage-gated channel subfamily Q member 2; minus strand). Cytogenetic location: 20q13.33.
Variant type: single nucleotide variant.
Coding change: c.1609A>T on transcript NM_172107.4 (MANE Select); coding-DNA position 1609, A replaced by T.
Protein change: p.Lys537Ter; replaces lysine 537 with a stop codon.
Molecular consequence: nonsense.
Genome position (GRCh38, 1-based): chr20:63,414,110, T>A on the plus strand (A>T on the coding strand, the complement: KCNQ2 is on the minus strand). VCF-style: chr20-63414110-T-A. GRCh37 (hg19) VCF-style: chr20-62045463-T-A.
Other names: c.1525A>T, p.Lys509Ter (NM_004518.6); c.1555A>T, p.Lys519Ter (NM_172106.3); c.1516A>T, p.Lys506Ter (NM_172108.5); short protein forms K537*, K509*, K519*, K506*.
Identifiers: ClinVar variation 369799 (VCV000369799.2), dbSNP rs1555853983, ClinGen allele CA10654787.